The following is an entry in ClinVar:

NM_144672.4(OTOA):c.1462dup (p.Ala488fs)

Gene: OTOA (otoancorin). Cytogenetic location: 16p12.2.
Variant type: Duplication.
Coding change: c.1462dup on transcript NM_144672.4 (MANE Select); coding-DNA position 1462, one base duplicated.
Protein change: p.Ala488fs; shifts the reading frame from alanine 488.
Molecular consequence: frameshift variant.
Genome position: GRCh38 VCF-style: chr16-21715125-T-TG. GRCh37 (hg19) VCF-style: chr16-21726446-T-TG.
Other names: c.1225dup, p.Ala409fs (NM_001161683.2); c.490dup, p.Ala164fs (NM_170664.3); short protein forms A164fs, A409fs, A488fs.
Identifiers: ClinVar variation 2743614 (VCV002743614.3), dbSNP rs2507029458, ClinGen allele CA2697555697.

ClinVar aggregate classification (germline): Pathogenic (1 of 4 stars; one submission).

Submission:

Labcorp Genetics (formerly Invitae), Labcorp
Classification: Pathogenic. Last evaluated: 2023-07-16. Review status: criteria provided, single submitter. Criteria: Invitae Variant Classification Sherloc (09022015). Collection method: clinical testing. Allele origin: germline.
Comment: This variant has not been reported in the literature in individuals affected with OTOA-related conditions. This variant is not present in population databases (gnomAD no frequency). This sequence change creates a premature translational stop signal (p.Ala488Glyfs*29) in the OTOA gene. It is expected to result in an absent or disrupted protein product. Loss-of-function variants in OTOA are known to be pathogenic (PMID: 11972037). For these reasons, this variant has been classified as Pathogenic.

Literature cited by the submitters: PubMed 11972037.